The following is an entry in ClinVar:

NM_001130009.3(GEN1):c.1202+6G>C

Gene: GEN1 (GEN1 structure-specific endonuclease; plus strand). Cytogenetic location: 2p24.2.
Variant type: single nucleotide variant.
Coding change: c.1202+6G>C on transcript NM_001130009.3 (MANE Select); 6 bases into the intron after coding-DNA position 1202, G replaced by C.
Molecular consequence: intron variant.
Genome position (GRCh38, 1-based): chr2:17,774,407, G>C. VCF-style: chr2-17774407-G-C. GRCh37 (hg19) VCF-style: chr2-17955674-G-C.
Other names: c.1202+6G>C (NM_182625.5).
Identifiers: ClinVar variation 2189725 (VCV002189725.4), dbSNP rs367941048, ClinGen allele CA1540690.
Genomic context (GRCh38, chr2:17,774,407, plus strand): 5'-ACATGATAGAAAGAAAGCTTGGTAGCAGAAACTCTAATCAACTACAGCCAATTCGGTAAT[G>C]TAAAGAACTGTATGGTGAAGGTGGTGTTTTTACTTGAGTATTTTATAATTAAAATATTCC-3'

ClinVar aggregate classification (germline): Uncertain significance (1 of 4 stars; one submission).

Allele frequency attached by ClinVar (database versions not stated): TOPMed 0.00001.
gnomAD v4.1: 3 of 1,590,870 alleles (0.00019%); highest among the groups gnomAD compares: African/African-American, 0.0041%; no homozygotes.

Submission:

Labcorp Genetics (formerly Invitae), Labcorp
Classification: Uncertain significance. Last evaluated: 2022-04-22. Review status: criteria provided, single submitter. Criteria: Invitae Variant Classification Sherloc (09022015). Collection method: clinical testing. Allele origin: germline.
Comment: This sequence change falls in intron 11 of the GEN1 gene. It does not directly change the encoded amino acid sequence of the GEN1 protein. It affects a nucleotide within the consensus splice site. This variant is present in population databases (rs367941048, gnomAD 0.01%). This variant has not been reported in the literature in individuals affected with GEN1-related conditions. Variants that disrupt the consensus splice site are a relatively common cause of aberrant splicing (PMID: 17576681, 9536098). Algorithms developed to predict the effect of sequence changes on RNA splicing suggest that this variant may disrupt the consensus splice site. In summary, the available evidence is currently insufficient to determine the role of this variant in disease. Therefore, it has been classified as a Variant of Uncertain Significance.

Literature cited by the submitters: PubMed 17576681; PubMed 9536098.